The following is an entry in ClinVar:

NM_001394062.1(MACF1):c.21772T>C (p.Phe7258Leu)

Gene: MACF1 (microtubule actin crosslinking factor 1; plus strand). Cytogenetic location: 1p34.3.
Variant type: single nucleotide variant.
Coding change: c.21772T>C on transcript NM_001394062.1 (MANE Select); coding-DNA position 21772, T replaced by C.
Protein change: p.Phe7258Leu; replaces phenylalanine 7258 with leucine.
Molecular consequence: missense variant.
Genome position (GRCh38, 1-based): chr1:39,468,615, T>C. VCF-style: chr1-39468615-T-C. GRCh37 (hg19) VCF-style: chr1-39934287-T-C.
Other names: c.9832T>C, p.Phe3278Leu (NM_001397473.1); c.15577T>C, p.Phe5193Leu (NM_012090.5); short protein forms F3278L, F5193L, F7258L.
Identifiers: ClinVar variation 4855520 (VCV004855520.1).

ClinVar aggregate classification (germline): Uncertain significance (1 of 4 stars; one submission).

Conditions:
Lissencephaly 9 with complex brainstem malformation. Identifiers: Orphanet 572013, MedGen C5193029, MONDO:0032677, OMIM 618325.

Submission:

3billion
Classification: Uncertain significance for Lissencephaly 9 with complex brainstem malformation. Last evaluated: 2025-10-25. Review status: criteria provided, single submitter. Criteria: ACMG Guidelines, 2015. Collection method: clinical testing. Allele origin: germline. Affected: yes.
Comment: The variant is not observed in the gnomAD v4.1.0 dataset. Predicted Consequence/Location: Missense variant In silico tool predictions suggest damaging effect of the variant on gene or gene product [REVEL: 0.61 (>=0.6, sensitivity 0.68 and specificity 0.92); 3Cnet: 0.90 (> 0.75, sensitivity 0.96 and precision 0.92)]. Therefore, this variant is classified as VUS according to the recommendation of ACMG/AMP guideline.